The following is an entry in ClinVar:

ClinVar aggregate classification (germline): Uncertain significance (1 of 4 stars; one submission).

Submission:

Labcorp Genetics (formerly Invitae), Labcorp
Classification: Uncertain significance. Last evaluated: 2026-01-28. Review status: criteria provided, single submitter. Criteria: Invitae Variant Classification Sherloc (09022015). Collection method: clinical testing. Allele origin: germline.
Comment: This sequence change replaces aspartic acid, which is acidic and polar, with tyrosine, which is neutral and polar, at codon 732 of the TRIM28 protein (p.Asp732Tyr). This variant is not present in population databases (gnomAD no frequency). This variant has not been reported in the literature in individuals affected with TRIM28-related conditions. Experimental studies and prediction algorithms are not available or were not evaluated, and the functional significance of this variant is currently unknown. In summary, the available evidence is currently insufficient to determine the role of this variant in disease. Therefore, it has been classified as a Variant of Uncertain Significance.

NM_005762.3(TRIM28):c.2194G>T (p.Asp732Tyr)

Gene: TRIM28 (tripartite motif containing 28; plus strand). Cytogenetic location: 19q13.43.
Variant type: single nucleotide variant.
Coding change: c.2194G>T on transcript NM_005762.3 (MANE Select); coding-DNA position 2194, G replaced by T.
Protein change: p.Asp732Tyr; replaces aspartic acid 732 with tyrosine.
Molecular consequence: missense variant.
Genome position (GRCh38, 1-based): chr19:58,550,147, G>T. VCF-style: chr19-58550147-G-T. GRCh37 (hg19) VCF-style: chr19-59061514-G-T.
Other names: short protein forms D732Y.
Identifiers: ClinVar variation 4736431 (VCV004736431.1).